The following is an entry in ClinVar:

ClinVar aggregate classification (germline): Uncertain significance (1 of 4 stars; one submission).

Submission:

Labcorp Genetics (formerly Invitae), Labcorp
Classification: Uncertain significance. Last evaluated: 2022-06-20. Review status: criteria provided, single submitter. Criteria: Invitae Variant Classification Sherloc (09022015). Collection method: clinical testing. Allele origin: germline.
Comment: This variant is not present in population databases (gnomAD no frequency). This sequence change replaces arginine, which is basic and polar, with leucine, which is neutral and non-polar, at codon 285 of the SAMD9L protein (p.Arg285Leu). This variant has not been reported in the literature in individuals affected with SAMD9L-related conditions. Algorithms developed to predict the effect of missense changes on protein structure and function are either unavailable or do not agree on the potential impact of this missense change (SIFT: "Not Available"; PolyPhen-2: "Probably Damaging"; Align-GVGD: "Not Available"). In summary, the available evidence is currently insufficient to determine the role of this variant in disease. Therefore, it has been classified as a Variant of Uncertain Significance.

NM_152703.5(SAMD9L):c.854G>T (p.Arg285Leu)

Gene: SAMD9L (sterile alpha motif domain containing 9 like; minus strand). Cytogenetic location: 7q21.2.
Variant type: single nucleotide variant.
Coding change: c.854G>T on transcript NM_152703.5 (MANE Select); coding-DNA position 854, G replaced by T.
Protein change: p.Arg285Leu; replaces arginine 285 with leucine.
Molecular consequence: missense variant.
Genome position (GRCh38, 1-based): chr7:93,135,118, C>A on the plus strand (G>T on the coding strand, the complement: SAMD9L is on the minus strand). VCF-style: chr7-93135118-C-A. GRCh37 (hg19) VCF-style: chr7-92764431-C-A.
Other names: c.854G>T, p.Arg285Leu (NM_001303496.3, NM_001303497.3, NM_001303498.3 and 5 more transcripts); short protein forms R285L.
Identifiers: ClinVar variation 1354832 (VCV001354832.8), dbSNP rs151204118, ClinGen allele CA368200370.